The following is an entry in ClinVar:

ClinVar aggregate classification (germline): Conflicting classifications of pathogenicity. Review status: criteria provided, conflicting classifications (1 of 4 stars). 2 submissions from 2 submitters: Uncertain significance (1); Benign (1). Last evaluated 2024-10-31.

Conditions:
Prostate cancer, hereditary, 9 (HPC9). Identifiers: Orphanet 1331, MedGen C1970250, MONDO:0012597, OMIM 610997.

Submissions (2):

Myriad Genetics, Inc.
Classification: Benign for Prostate cancer, hereditary, 9. Last evaluated: 2024-10-31. Review status: criteria provided, single submitter. Criteria: Myriad Autosomal Dominant, Autosomal Recessive and X-Linked Classification Criteria (2023). Collection method: clinical testing. Allele origin: unknown.
Comment: This variant is considered benign. This variant occurs in the non-coding 3' untranslated region of the gene, and is not expected to impact protein function.

Quest Diagnostics Nichols Institute San Juan Capistrano
Classification: Uncertain significance. Last evaluated: 2024-07-29. Review status: criteria provided, single submitter. Criteria: Quest Diagnostics criteria. Collection method: clinical testing. Allele origin: unknown.
Comment: The HOXB13 c.*8_*10del variant has not been reported in individuals with HOXB13-related conditions in the published literature. The frequency of this variant in the general population, 0.000008 (2/251312 chromosomes (Genome Aggregation Database)), is uninformative in the assessment of its pathogenicity. Analysis of this variant using software algorithms for the prediction of the effect of nucleotide changes on splicing yielded predictions that this variant does not affect HOXB13 mRNA splicing. Based on the available information, we are unable to determine the clinical significance of this variant.

NM_006361.6(HOXB13):c.*8_*10del

Gene: HOXB13 (homeobox B13; minus strand). Cytogenetic location: 17q21.32.
Variant type: Deletion.
Coding change: c.*8_*10del on transcript NM_006361.6 (MANE Select); 8 bases downstream of the stop codon through 10 bases downstream of the stop codon, 3 bases deleted (CCT; older notation c.*8_*10delCCT).
Molecular consequence: 3 prime UTR variant.
Genome position (GRCh38, 1-based): chr17:48,726,780-48,726,782, AGG deleted on the plus strand (CCT on the coding strand, the reverse complement: HOXB13 is on the minus strand); deleting any 3 consecutive bases within chr17:48,726,780-48,726,784 gives the same sequence; the c. name uses the placement nearest the transcript's 3' end. VCF-style (leftmost placement, unchanged base first): chr17-48726779-AAGG-A. GRCh37 (hg19) VCF-style: chr17-46804141-AAGG-A.
Other names: c.*6_*8delCTC (NM_006361.5).
Identifiers: ClinVar variation 3572264 (VCV003572264.2).